The following is an entry in ClinVar:

ClinVar aggregate classification (germline): Uncertain significance (1 of 4 stars; one submission).

Conditions:
Hereditary cancer-predisposing syndrome. Also called: Hereditary Cancer Syndrome; Hereditary neoplastic syndrome; Neoplastic Syndromes, Hereditary; Tumor predisposition. Identifiers: Orphanet 140162, MedGen C0027672, MeSH D009386, MONDO:0015356.

Submission:

Ambry Genetics
Classification: Uncertain significance for Hereditary cancer-predisposing syndrome. Last evaluated: 2025-06-24. Review status: criteria provided, single submitter. Criteria: Ambry Variant Classification Scheme 2023. Collection method: clinical testing. Allele origin: germline.
Comment: The p.S3131T variant (also known as c.9391T>A), located in coding exon 24 of the BRCA2 gene, results from a T to A substitution at nucleotide position 9391. The serine at codon 3131 is replaced by threonine, an amino acid with similar properties. This amino acid position is conserved. In addition, the in silico prediction for this alteration is inconclusive. Based on the available evidence, the clinical significance of this variant remains unclear.

NM_000059.4(BRCA2):c.9391T>A (p.Ser3131Thr)

Gene: BRCA2 (BRCA2 DNA repair associated; plus strand). Cytogenetic location: 13q13.1.
Variant type: single nucleotide variant.
Coding change: c.9391T>A on transcript NM_000059.4 (MANE Select); coding-DNA position 9391, T replaced by A.
Protein change: p.Ser3131Thr; replaces serine 3131 with threonine.
Molecular consequence: missense variant. On other transcripts: non-coding transcript variant (1).
Genome position (GRCh38, 1-based): chr13:32,394,823, T>A. VCF-style: chr13-32394823-T-A. GRCh37 (hg19) VCF-style: chr13-32968960-T-A.
Other names: c.9295T>A, p.Ser3099Thr (NM_001406719.1); c.9340T>A, p.Ser3114Thr (NM_001406720.1); c.4459T>A, p.Ser1487Thr (NM_001406721.1); c.2974T>A, p.Ser992Thr (NM_001406722.1); c.9391T>A, p.Ser3131Thr (NM_001432077.1); short protein forms S3114T, S1487T, S3099T, S3131T, S992T.
Identifiers: ClinVar variation 4215770 (VCV004215770.1).